The following is an entry in ClinVar:

NM_004407.4(DMP1):c.1151G>A (p.Ser384Asn)

Genes: DMP1 (dentin matrix acidic phosphoprotein 1; plus strand), DMP1-AS1 (DMP1 and DSPP antisense RNA 1; minus strand). Cytogenetic location: 4q22.1.
Variant type: single nucleotide variant.
Coding change: c.1151G>A on transcript NM_004407.4 (MANE Select); coding-DNA position 1151, G replaced by A.
Protein change: p.Ser384Asn; replaces serine 384 with asparagine.
Molecular consequence: missense variant.
Genome position (GRCh38, 1-based): chr4:87,662,929, G>A. VCF-style: chr4-87662929-G-A. GRCh37 (hg19) VCF-style: chr4-88584081-G-A.
Other names: c.1103G>A, p.Ser368Asn (NM_001079911.3); short protein forms S368N, S384N.
Identifiers: ClinVar variation 727674 (VCV000727674.11), dbSNP rs148498977, ClinGen allele CA3002146.

ClinVar aggregate classification (germline): Benign/Likely benign. Review status: criteria provided, multiple submitters, no conflicts (2 of 4 stars). 3 submissions from 3 submitters: Benign (1); Likely benign (1). 1 of the submissions does not count toward it. Last evaluated 2026-01-05.

Conditions:
DMP1-related disorder. Also called: DMP1-related condition.

Allele frequency attached by ClinVar (database versions not stated): gnomAD exomes 0.00007 and 0.00021; 1000 Genomes Project 30x 0.00016; 1000 Genomes Project 0.00020; ExAC 0.00028; gnomAD 0.00082 and 0.00092; TOPMed 0.00097; ESP Exome Variant Server 0.00138.

Submissions (3):

Labcorp Genetics (formerly Invitae), Labcorp
Classification: Benign. Last evaluated: 2026-01-05. Review status: criteria provided, single submitter. Criteria: Invitae Variant Classification Sherloc (09022015). Collection method: clinical testing. Allele origin: germline.

PreventionGenetics, part of Exact Sciences
Classification: Likely benign for DMP1-related condition. Last evaluated: 2024-12-27. Review status: criteria provided, single submitter. Criteria: ACMG Guidelines, 2015. Collection method: clinical testing. Allele origin: germline.
Comment: This variant is classified as likely benign based on ACMG/AMP sequence variant interpretation guidelines (Richards et al. 2015 PMID: 25741868, with internal and published modifications).

Department of Pathology and Laboratory Medicine, Sinai Health System
Classification: Uncertain significance. Review status: no assertion criteria provided. Collection method: clinical testing. Allele origin: unknown. Affected: yes. Study: The Canadian Open Genetics Repository (COGR). Not counted in ClinVar's aggregate classification.
Comment: The DMP1 p.S384N variant was not identified in the literature but was identified in dbSNP (ID: rs148498977) and ClinVar (classified as benign by Invitae). The variant was identified in control databases in 81 of 282832 chromosomes (1 homozygous) at a frequency of 0.0002864, and was observed at the highest frequency in the African population in 80 of 24954 chromosomes (1 homozygous) (freq: 0.003206) (Genome Aggregation Database March 6, 2019, v2.1.1). The p.S384 residue is conserved in mammals and computational analyses (MUT Assesor, PolyPhen-2, SIFT, MutationTaster, Revel, FATHMM, MetaLR, DANN) provide inconsistent predictions regarding the impact to the protein; this information is not very predictive of pathogenicity. The variant occurs outside of the splicing consensus sequence and in silico or computational prediction software programs (Splice AI exome) do not predict a difference in splicing. In summary, based on the above information the clinical significance of this variant cannot be determined with certainty at this time. This variant is classified as a variant of uncertain significance.